The following is an entry in ClinVar:

ClinVar aggregate classification (germline): Pathogenic. Review status: criteria provided, multiple submitters, no conflicts (2 of 4 stars). 2 submissions from 2 submitters: Pathogenic (2). Last evaluated 2026-08-13.

Conditions:
Wiskott-Aldrich syndrome (WAS). Also called: ALDRICH SYNDROME; IMMUNODEFICIENCY 2; WISKOTT-ALDRICH SYNDROME 1; Wiskott-aldrich syndrome, somatic. Identifiers: Orphanet 906, MedGen C0043194, MONDO:0010518, OMIM 301000.

Submissions (2):

Molecular Genetics and NGS Laboratory, Hospital Fundacion Valle Del Lili
Classification: Pathogenic for Wiskott-Aldrich syndrome. Last evaluated: 2026-08-13. Review status: criteria provided, single submitter. Criteria: ACMG Guidelines, 2015. Collection method: clinical testing. Allele origin: unknown. Inheritance: X-linked recessive inheritance. Affected: yes. Observed: 1 variant allele, 1 hemizygote.
Comment: We classified this variant as pathogenic based on the following ACMG criteria: PVS1: Truncating variant. This is a null variant (intronic variant within ±2 bp of the splice site) in the WAS gene. Loss-of-function is a known mechanism of disease, with 160 reported pathogenic loss-of-function variants. PM1: The variant is located in a conserved region and a mutational hotspot where other truncating variants have been reported. PM2: The variant is absent from gnomAD genomes, with good coverage (24.0×). It is also absent from gnomAD exomes, with good coverage (37.1×). PP3: Multiple lines of computational evidence support a deleterious effect on the gene or gene product (BayesDel_addAF = 0.74, CADD = 32, FATHMM-MKL = 0.99, dbscSNV1_ADA = 1.0, dbscSNV1_RF = 0.75, SpliceAI maximum score = 0.96, DS_AL_spliceai = 0.96). PP4: The patient's phenotype is highly concordant with Wiskott–Aldrich syndrome (MIM: 301000).

Mayo Clinic Laboratories, Mayo Clinic
Classification: Pathogenic. Last evaluated: 2023-11-08. Review status: criteria provided, single submitter. Criteria: ACMG Guidelines, 2015. Collection method: clinical testing. Allele origin: germline. Observed: 1 variant allele.
Comment: PM2_moderate, PS3_moderate, PS4_moderate, PVS1

Literature cited by the submitters: PubMed 15284122 (cited by Mayo Clinic Laboratories, Mayo Clinic); PubMed 33936041 (cited by Mayo Clinic Laboratories, Mayo Clinic); PubMed 35874699 (cited by Mayo Clinic Laboratories, Mayo Clinic); PubMed 7579347 (cited by Mayo Clinic Laboratories, Mayo Clinic); PubMed 8931701 (cited by Mayo Clinic Laboratories, Mayo Clinic).

NM_000377.3(WAS):c.1453+2T>C

Gene: WAS (WASP actin nucleation promoting factor; plus strand). Cytogenetic location: Xp11.23.
Variant type: single nucleotide variant.
Coding change: c.1453+2T>C on transcript NM_000377.3 (MANE Select); the canonical splice donor site of the intron after coding-DNA position 1453, T replaced by C.
Molecular consequence: splice donor variant.
Genome position (GRCh38, 1-based): chrX:48,689,436, T>C. VCF-style: chrX-48689436-T-C. GRCh37 (hg19) VCF-style: chrX-48547825-T-C.
Other names: p.?.
Identifiers: ClinVar variation 3380922 (VCV003380922.2).